The following is an entry in ClinVar:

ClinVar aggregate classification (germline): Benign (3 of 4 stars; one submission).

Conditions:
Breast-ovarian cancer, familial, susceptibility to, 1 (BROVCA1). Also called: BRCA1 Hereditary Breast and Ovarian Cancer; OVARIAN CANCER, SUSCEPTIBILITY TO. Identifiers: Orphanet 145, MedGen C2676676, MONDO:0011450, OMIM 604370. Disease mechanism: loss of function.

Allele frequency attached by ClinVar (database versions not stated): gnomAD 0.00757 and 0.00823; 1000 Genomes Project 0.00759; 1000 Genomes Project 30x 0.00781; TOPMed 0.00846.
gnomAD v4.1: 1,114 of 148,488 alleles (0.75%); highest among the groups gnomAD compares: African/African-American, 2.7%; 21 homozygotes.

Submission:

Evidence-based Network for the Interpretation of Germline Mutant Alleles (ENIGMA)
Classification: Benign for Breast-ovarian cancer, familial 1. Last evaluated: 2015-01-12. Review status: reviewed by expert panel. Criteria: ENIGMA BRCA1/2 Classification Criteria (2015). Collection method: curation. Allele origin: germline.
Comment: Class 1 not pathogenic based on frequency >1% in an outbred sampleset. Frequency 0.02846 (African), derived from 1000 genomes (2012-04-30).

NM_007294.4(BRCA1):c.4186-1451C>T

Gene: BRCA1 (BRCA1 DNA repair associated; minus strand). Cytogenetic location: 17q21.31.
Variant type: single nucleotide variant.
Coding change: c.4186-1451C>T on transcript NM_007294.4 (MANE Select); 1451 bases into the intron before coding-DNA position 4186, C replaced by T.
Molecular consequence: intron variant.
Genome position (GRCh38, 1-based): chr17:43,084,026, G>A on the plus strand (C>T on the coding strand, the complement: BRCA1 is on the minus strand). VCF-style: chr17-43084026-G-A. GRCh37 (hg19) VCF-style: chr17-41236043-G-A.
Other names: IVS 12-1451C>T; c.4177-1454C>T (NM_001407646.1, NM_001407647.1); c.751-1451C>T (NM_001408445.1, NM_001408432.1, NM_001408450.1 and 6 more transcripts); c.4060-1451C>T (NM_001407689.1, NM_001407670.1, NM_001407672.1 and 6 more transcripts); c.757-1451C>T (NM_001408431.1, NM_001408424.1, NM_001408421.1); c.874-1454C>T (NM_001408407.1, NM_001408402.1, NM_001408400.1 and 1 more transcripts); c.874-1451C>T (NM_001408473.1, NM_001408399.1, NM_001407984.1 and 9 more transcripts); c.4183-1454C>T (NM_001407645.1, NM_001407628.1, NM_001407629.1 and 5 more transcripts); and 65 more.
Identifiers: ClinVar variation 209415 (VCV000209415.2), dbSNP rs8176181, ClinGen allele CA276387.